The following is an entry in ClinVar:

NM_024537.4(CARS2):c.655+6T>C

Gene: CARS2 (cysteinyl-tRNA synthetase 2, mitochondrial; minus strand). Cytogenetic location: 13q34.
Variant type: single nucleotide variant.
Coding change: c.655+6T>C on transcript NM_024537.4 (MANE Select); 6 bases into the intron after coding-DNA position 655, T replaced by C.
Molecular consequence: intron variant.
Genome position (GRCh38, 1-based): chr13:110,683,045, A>G on the plus strand (T>C on the coding strand, the complement: CARS2 is on the minus strand). VCF-style: chr13-110683045-A-G. GRCh37 (hg19) VCF-style: chr13-111335392-A-G.
Other names: c.-132+6T>C (NM_001352252.2); c.655+6T>C (NM_001352253.3).
Identifiers: ClinVar variation 1026587 (VCV001026587.7), dbSNP rs2063202198, ClinGen allele CA960200682.
Genomic context (GRCh38, chr13:110,683,045, plus strand): 5'-ATCTCCCCAGAGCTGAGACCCGAGGCAGAGGTCAGGGACCCACAGGGCTGAGCCCGGCCA[A>G]CCCACCTGGCTCTCCGACTGGACCAGGGACCACGCCGACCAATTTGCCATACTTGTCTCC-3'

ClinVar aggregate classification (germline): Uncertain significance (1 of 4 stars; one submission).

Conditions:
Combined oxidative phosphorylation defect type 27. Also called: Combined oxidative phosphorylation deficiency 27. Identifiers: Orphanet 477774, MedGen C5567608, MONDO:0014728, OMIM 616672.

Allele frequency attached by ClinVar (database versions not stated): TOPMed below 0.00001; gnomAD 0.00001; gnomAD exomes 0.00001.
gnomAD v4.1: 12 of 1,596,306 alleles (0.00075%); highest among the groups gnomAD compares: East Asian, 0.0023%; no homozygotes.

Submission:

Labcorp Genetics (formerly Invitae), Labcorp
Classification: Uncertain significance for Combined oxidative phosphorylation defect type 27. Last evaluated: 2024-04-29. Review status: criteria provided, single submitter. Criteria: Invitae Variant Classification Sherloc (09022015). Collection method: clinical testing. Allele origin: germline.
Comment: This sequence change falls in intron 6 of the CARS2 gene. It does not directly change the encoded amino acid sequence of the CARS2 protein. It affects a nucleotide within the consensus splice site. This variant is not present in population databases (gnomAD no frequency). This variant has not been reported in the literature in individuals affected with CARS2-related conditions. ClinVar contains an entry for this variant (Variation ID: 1026587). Variants that disrupt the consensus splice site are a relatively common cause of aberrant splicing (PMID: 17576681, 9536098). Algorithms developed to predict the effect of sequence changes on RNA splicing suggest that this variant is not likely to affect RNA splicing. In summary, the available evidence is currently insufficient to determine the role of this variant in disease. Therefore, it has been classified as a Variant of Uncertain Significance.

Literature cited by the submitters: PubMed 17576681; PubMed 9536098.